The following is an entry in ClinVar:

ClinVar aggregate classification (germline): Uncertain significance (1 of 4 stars; one submission).

Conditions:
Charcot-Marie-Tooth disease dominant intermediate B (CMTDIB). Also called: CHARCOT-MARIE-TOOTH NEUROPATHY, DOMINANT INTERMEDIATE B; Charcot-Marie-Tooth disease dominant intermediate 1; CMT DI1; Charcot-Marie-Tooth disease dominant intermediate I. Identifiers: Orphanet 100044, Orphanet 228179, MedGen C1847902, MONDO:0011674, OMIM 606482.

Allele frequency attached by ClinVar (database versions not stated): TOPMed 0.00002; ExAC 0.00003; gnomAD exomes 0.00005 and 0.00009; gnomAD 0.00007.
gnomAD v4.1: 78 of 1,613,956 alleles (0.0048%); highest among the groups gnomAD compares: Non-Finnish European, 0.0041%; no homozygotes.

Submissions (3):

Labcorp Genetics (formerly Invitae), Labcorp
Classification: Uncertain significance for Charcot-Marie-Tooth disease dominant intermediate B. Last evaluated: 2025-11-25. Review status: criteria provided, single submitter. Criteria: Invitae Variant Classification Sherloc (09022015). Collection method: clinical testing. Allele origin: germline.
Comment: This sequence change affects codon 78 of the DNM2 mRNA. It is a 'silent' change, meaning that it does not change the encoded amino acid sequence of the DNM2 protein. It affects a nucleotide within the consensus splice site. This variant is present in population databases (rs747545894, gnomAD 0.05%), and has an allele count higher than expected for a pathogenic variant. This variant has not been reported in the literature in individuals affected with DNM2-related conditions. ClinVar contains an entry for this variant (Variation ID: 1386765). Algorithms developed to predict the effect of sequence changes on RNA splicing suggest that this variant is not likely to affect RNA splicing. In summary, the available evidence is currently insufficient to determine the role of this variant in disease. Therefore, it has been classified as a Variant of Uncertain Significance.

Dr. Peter K. Rogan Lab, Western University
No classification provided (evidence only). Condition: Lung cancer. Review status: no classification provided. Collection method: in vitro. Allele origin: not applicable. Functional consequence: skipped exon, retained intron. Not counted in ClinVar's aggregate classification.

Dr. Peter K. Rogan Lab, Western University
No classification provided (evidence only). Condition: Gastric cancer. Review status: no classification provided. Collection method: in vitro. Allele origin: not applicable. Functional consequence: retained intron. Not counted in ClinVar's aggregate classification.

NM_001005361.3(DNM2):c.234A>G (p.Thr78=)

Gene: DNM2 (dynamin 2; plus strand). Cytogenetic location: 19p13.2.
Variant type: single nucleotide variant.
Coding change: c.234A>G on transcript NM_001005361.3 (MANE Select); coding-DNA position 234, A replaced by G.
Protein change: p.Thr78=; no amino-acid change (threonine 78 retained).
Molecular consequence: synonymous variant.
Genome position (GRCh38, 1-based): chr19:10,759,810, A>G. VCF-style: chr19-10759810-A-G. GRCh37 (hg19) VCF-style: chr19-10870486-A-G.
Other names: c.234A>G, p.Thr78= (NM_001005360.3, NM_001005362.3, NM_001190716.2 and 1 more transcripts).
Identifiers: ClinVar variation 1386765 (VCV001386765.9), dbSNP rs747545894, ClinGen allele CA9200732.